The following is an entry in ClinVar:

NM_017934.7(PHIP):c.601-8A>T

Gene: PHIP (PHIP subunit of CUL4-Ring ligase complex; minus strand). Cytogenetic location: 6q14.1.
Variant type: single nucleotide variant.
Coding change: c.601-8A>T on transcript NM_017934.7 (MANE Select); 8 bases into the intron before coding-DNA position 601, A replaced by T.
Molecular consequence: intron variant.
Genome position (GRCh38, 1-based): chr6:79,026,172, T>A on the plus strand (A>T on the coding strand, the complement: PHIP is on the minus strand). VCF-style: chr6-79026172-T-A. GRCh37 (hg19) VCF-style: chr6-79735889-T-A.
Other names: c.601-8A>T (NM_017934.6).
Identifiers: ClinVar variation 3668322 (VCV003668322.3).

ClinVar aggregate classification (germline): Likely benign. Review status: criteria provided, multiple submitters, no conflicts (2 of 4 stars). 2 submissions from 2 submitters: Likely benign (2). Last evaluated 2025-11-17.

Conditions:
PHIP-related disorder. Also called: PHIP-related condition; PHIP-related disorders.

gnomAD v4.1: 5 of 1,572,890 alleles (0.00032%); highest among the groups gnomAD compares: African/African-American, 0.0013%; no homozygotes.

Submissions (2):

Labcorp Genetics (formerly Invitae), Labcorp
Classification: Likely benign. Last evaluated: 2025-11-17. Review status: criteria provided, single submitter. Criteria: Invitae Variant Classification Sherloc (09022015). Collection method: clinical testing. Allele origin: germline.

PreventionGenetics, part of Exact Sciences
Classification: Likely benign for PHIP-related condition. Last evaluated: 2025-03-04. Review status: criteria provided, single submitter. Criteria: ACMG Guidelines, 2015. Collection method: clinical testing. Allele origin: germline.
Comment: This variant is classified as likely benign based on ACMG/AMP sequence variant interpretation guidelines (Richards et al. 2015 PMID: 25741868, with internal and published modifications).